The following is an entry in ClinVar:

NM_031372.4(HNRNPDL):c.298G>A (p.Ala100Thr)

Gene: HNRNPDL (heterogeneous nuclear ribonucleoprotein D like; minus strand). Cytogenetic location: 4q21.22.
Variant type: single nucleotide variant.
Coding change: c.298G>A on transcript NM_031372.4 (MANE Select); coding-DNA position 298, G replaced by A.
Protein change: p.Ala100Thr; replaces alanine 100 with threonine.
Molecular consequence: missense variant. On other transcripts: non-coding transcript variant (1).
Genome position (GRCh38, 1-based): chr4:82,429,393, C>T on the plus strand (G>A on the coding strand, the complement: HNRNPDL is on the minus strand). VCF-style: chr4-82429393-C-T. GRCh37 (hg19) VCF-style: chr4-83350546-C-T.
Other names: c.298G>A, p.Ala100Thr (NM_001207000.1); short protein forms A100T.
Identifiers: ClinVar variation 1466430 (VCV001466430.8), dbSNP rs941998245, ClinGen allele CA100598911.

ClinVar aggregate classification (germline): Uncertain significance (1 of 4 stars; one submission).

Conditions:
Autosomal dominant limb-girdle muscular dystrophy type 1G (LGMDD3). Also called: Limb-girdle muscular dystrophy, type 1G; MUSCULAR DYSTROPHY, LIMB-GIRDLE, AUTOSOMAL DOMINANT 3. Identifiers: Orphanet 55596, MedGen C1836765, MONDO:0012193, OMIM 609115.

Allele frequency attached by ClinVar (database versions not stated): TOPMed below 0.00001.

Submission:

Labcorp Genetics (formerly Invitae), Labcorp
Classification: Uncertain significance for Autosomal dominant limb-girdle muscular dystrophy type 1G. Last evaluated: 2022-07-26. Review status: criteria provided, single submitter. Criteria: Invitae Variant Classification Sherloc (09022015). Collection method: clinical testing. Allele origin: germline.
Comment: In summary, the available evidence is currently insufficient to determine the role of this variant in disease. Therefore, it has been classified as a Variant of Uncertain Significance. Algorithms developed to predict the effect of missense changes on protein structure and function are either unavailable or do not agree on the potential impact of this missense change (SIFT: "Deleterious"; PolyPhen-2: "Benign"; Align-GVGD: "Class C0"). ClinVar contains an entry for this variant (Variation ID: 1466430). This variant has not been reported in the literature in individuals affected with HNRNPDL-related conditions. This variant is not present in population databases (gnomAD no frequency). This sequence change replaces alanine, which is neutral and non-polar, with threonine, which is neutral and polar, at codon 100 of the HNRNPDL protein (p.Ala100Thr).